The following is an entry in ClinVar:

NM_203447.4(DOCK8):c.548A>G (p.Asn183Ser)

Gene: DOCK8 (dedicator of cytokinesis 8; plus strand). Cytogenetic location: 9p24.3.
Variant type: single nucleotide variant.
Coding change: c.548A>G on transcript NM_203447.4 (MANE Select); coding-DNA position 548, A replaced by G.
Protein change: p.Asn183Ser; replaces asparagine 183 with serine.
Molecular consequence: missense variant.
Genome position (GRCh38, 1-based): chr9:311,973, A>G. VCF-style: chr9-311973-A-G. GRCh37 (hg19) VCF-style: chr9-311973-A-G.
Other names: c.344A>G, p.Asn115Ser (NM_001190458.2, NM_001193536.2); short protein forms N183S, N115S.
Identifiers: ClinVar variation 2159463 (VCV002159463.4), dbSNP rs764850939, ClinGen allele CA4957312.

ClinVar aggregate classification (germline): Uncertain significance (1 of 4 stars; one submission).

Conditions:
Combined immunodeficiency due to DOCK8 deficiency (HIES2). Also called: HYPER-IgE RECURRENT INFECTION SYNDROME 2, AUTOSOMAL RECESSIVE; HYPER-IgE SYNDROME 2, AUTOSOMAL RECESSIVE, WITH RECURRENT INFECTIONS; DOCK8 Deficiency; HIES autosomal recessive; Hyper-IgE recurrent infection syndrome, autosomal recessive. Identifiers: Orphanet 217390, MedGen C4722305, MONDO:0009478, OMIM 243700.

Allele frequency attached by ClinVar (database versions not stated): gnomAD exomes below 0.00001; ExAC 0.00002.
gnomAD v4.1: 1 of 1,614,030 alleles (0.000062%); highest among the groups gnomAD compares: East Asian, 0.0022%; no homozygotes.

Submission:

Labcorp Genetics (formerly Invitae), Labcorp
Classification: Uncertain significance for Combined immunodeficiency due to DOCK8 deficiency. Last evaluated: 2022-07-14. Review status: criteria provided, single submitter. Criteria: Invitae Variant Classification Sherloc (09022015). Collection method: clinical testing. Allele origin: germline.
Comment: This missense change has been observed in individual(s) with autism (PMID: 30564305). Algorithms developed to predict the effect of missense changes on protein structure and function output the following: SIFT: "Tolerated"; PolyPhen-2: "Benign"; Align-GVGD: "Class C0". The serine amino acid residue is found in multiple mammalian species, which suggests that this missense change does not adversely affect protein function. In summary, the available evidence is currently insufficient to determine the role of this variant in disease. Therefore, it has been classified as a Variant of Uncertain Significance. This variant is present in population databases (rs764850939, gnomAD 0.01%). This sequence change replaces asparagine, which is neutral and polar, with serine, which is neutral and polar, at codon 183 of the DOCK8 protein (p.Asn183Ser).

Literature cited by the submitters: PubMed 30564305.